The following is an entry in ClinVar:

ClinVar aggregate classification (germline): Likely pathogenic (1 of 4 stars; one submission).

Submission:

Dasa
Classification: Likely pathogenic. Last evaluated: 2025-02-20. Review status: criteria provided, single submitter. Criteria: DASA Assertion Criteria. Collection method: clinical testing. Allele origin: germline.
Comment: NM_015443.4(KANSL1):c.3028_3029del (p.Pro1010Alafs*6) is a frameshift variant in KANSL1 predicted to alter the reading frame and introduce a premature termination codon and is predicted to result in an absent or altered protein product. Loss of function is an established disease mechanism for KANSL1 (PMID: 22544363; PMID: 22544367). Also, this variant is absent from population databases. Based on the currently available evidence, this variant is classified as likely pathogenic.

Literature cited by the submitters: PubMed 22544363; PubMed 22544367.

NM_015443.4(KANSL1):c.3028_3029del (p.Pro1010fs)

Gene: KANSL1 (KAT8 regulatory NSL complex subunit 1). Cytogenetic location: 17q21.31.
Variant type: Deletion.
Coding change: c.3028_3029del on transcript NM_015443.4 (MANE Select); coding-DNA positions 3028 to 3029, 2 bases deleted.
Protein change: p.Pro1010fs; shifts the reading frame from proline 1010.
Molecular consequence: frameshift variant.
Genome position: GRCh38 VCF-style: chr17-46032107-CGG-C. GRCh37 (hg19) VCF-style: chr17-44109473-CGG-C.
Other names: c.3025_3026del, p.Pro1009fs (NM_001405858.1, NM_001193465.2, NM_001405856.1 and 1 more transcripts); c.2926_2927del, p.Pro976fs (NM_001405859.1, NM_001405860.1); c.2923_2924del, p.Pro975fs (NM_001405861.1); c.2896_2897del, p.Pro966fs (NM_001405872.1, NM_001405873.1, NM_001405874.1); c.2839_2840del, p.Pro947fs (NM_001405875.1, NM_001405876.1, NM_001405877.1 and 1 more transcripts); c.3028_3029del, p.Pro1010fs (NM_001193466.2, NM_001379198.1, NM_001405854.1 and 1 more transcripts); c.2836_2837del, p.Pro946fs (NM_001405879.1, NM_001405880.1); c.2791_2792del, p.Pro931fs (NM_001405881.1); and 4 more; short protein forms P1009fs, P1010fs, P524fs, P525fs, P587fs, P588fs, P931fs, P946fs.
Identifiers: ClinVar variation 4880718 (VCV004880718.2).